The following is an entry in ClinVar:

ClinVar aggregate classification (germline): Likely benign. Review status: criteria provided, multiple submitters, no conflicts (2 of 4 stars). 3 submissions from 3 submitters: Likely benign (2). 1 of the submissions does not count toward it. Last evaluated 2025-11-16.

Conditions:
Dilated cardiomyopathy 1G (CMD1G). Identifiers: Orphanet 154, MedGen C1858763, MONDO:0011400, OMIM 604145.
Autosomal recessive limb-girdle muscular dystrophy type 2J (LGMDR10). Also called: MUSCULAR DYSTROPHY, LIMB-GIRDLE, AUTOSOMAL RECESSIVE 10; Limb-girdle muscular dystrophy, type 2J. Identifiers: Orphanet 140922, MedGen C1837342, MONDO:0012127, OMIM 608807.
Cardiovascular phenotype. Identifiers: MedGen CN230736.
TTN-related disorder. Also called: TTN-related condition; TTN-related disease; TTN-related disorders.

Allele frequency attached by ClinVar (database versions not stated): gnomAD below 0.00001 and 0.00001; gnomAD exomes below 0.00001 and 0.00001; ExAC 0.00001.
gnomAD v4.1: 10 of 1,613,216 alleles (0.00062%); highest among the groups gnomAD compares: South Asian, 0.0088%; no homozygotes.

Submissions (3):

Ambry Genetics
Classification: Likely benign for Cardiovascular phenotype. Last evaluated: 2025-11-16. Review status: criteria provided, single submitter. Criteria: Ambry Variant Classification Scheme 2023. Collection method: clinical testing. Allele origin: germline.

Labcorp Genetics (formerly Invitae), Labcorp
Classification: Likely benign for Dilated cardiomyopathy 1G; Autosomal recessive limb-girdle muscular dystrophy type 2J. Last evaluated: 2018-09-24. Review status: criteria provided, single submitter. Criteria: Invitae Variant Classification Sherloc (09022015). Collection method: clinical testing. Allele origin: germline.

PreventionGenetics, part of Exact Sciences
Classification: Likely benign for TTN-related condition. Last evaluated: 2024-06-12. Review status: no assertion criteria provided. Collection method: clinical testing. Allele origin: germline. Not counted in ClinVar's aggregate classification.
Comment: This variant is classified as likely benign based on ACMG/AMP sequence variant interpretation guidelines (Richards et al. 2015 PMID: 25741868, with internal and published modifications).

NM_001267550.2(TTN):c.42592T>C (p.Leu14198=)

Gene: TTN (titin; minus strand). Cytogenetic location: 2q31.2.
Variant type: single nucleotide variant.
Coding change: c.42592T>C on transcript NM_001267550.2 (MANE Select); coding-DNA position 42592, T replaced by C.
Protein change: p.Leu14198=; no amino-acid change (leucine 14198 retained).
Molecular consequence: synonymous variant.
Genome position (GRCh38, 1-based): chr2:178,633,907, A>G on the plus strand (T>C on the coding strand, the complement: TTN is on the minus strand). VCF-style: chr2-178633907-A-G. GRCh37 (hg19) VCF-style: chr2-179498634-A-G.
Other names: c.37669T>C, p.Leu12557= (NM_001256850.1); c.15397T>C, p.Leu5133= (NM_003319.4); c.34888T>C, p.Leu11630= (NM_133378.4); c.15772T>C, p.Leu5258= (NM_133432.3); c.15973T>C, p.Leu5325= (NM_133437.4).
Identifiers: ClinVar variation 758983 (VCV000758983.12), dbSNP rs763186372, ClinGen allele CA1996048.